The following is an entry in ClinVar:

ClinVar aggregate classification (germline): Uncertain significance (1 of 4 stars; one submission).

Conditions:
Autosomal dominant optic atrophy classic form (OPA1). Also called: KJER-TYPE OPTIC ATROPHY; OPTIC ATROPHY, JUVENILE; Optic Atrophy Type 1. Identifiers: Orphanet 98673, MedGen C0338508, MONDO:0008134, OMIM 165500.

Submission:

3billion
Classification: Uncertain significance for Autosomal dominant optic atrophy classic form. Last evaluated: 2025-12-12. Review status: criteria provided, single submitter. Criteria: ACMG Guidelines, 2015. Collection method: clinical testing. Allele origin: germline. Affected: yes.
Comment: The variant is not observed in the gnomAD v4.1.0 dataset. Predicted Consequence/Location: Missense variant In silico tool predictions suggest damaging effect of the variant on gene or gene product [REVEL: 0.90 (>=0.6, sensitivity 0.68 and specificity 0.92); 3Cnet: 0.95 (> 0.75, sensitivity 0.96 and precision 0.92)]. A different missense change at the same codon (p.Ala550Val) has been reported to be associated with OPA1-related disorder (PMID: 20157015). However the evidence of pathogenicity is insufficient at this time. Therefore, this variant is classified as VUS according to the recommendation of ACMG/AMP guideline.

Literature cited by the submitters: PubMed 20157015.

NM_130837.3(OPA1):c.1648G>C (p.Ala550Pro)

Gene: OPA1 (OPA1 mitochondrial dynamin like GTPase; plus strand). Cytogenetic location: 3q29.
Variant type: single nucleotide variant.
Coding change: c.1648G>C on transcript NM_130837.3 (MANE Select); coding-DNA position 1648, G replaced by C.
Protein change: p.Ala550Pro; replaces alanine 550 with proline.
Molecular consequence: missense variant.
Genome position (GRCh38, 1-based): chr3:193,645,592, G>C. VCF-style: chr3-193645592-G-C. GRCh37 (hg19) VCF-style: chr3-193363381-G-C.
Other names: c.1114G>C, p.Ala372Pro (NM_001354663.2); c.1111G>C, p.Ala371Pro (NM_001354664.2); c.1483G>C, p.Ala495Pro (NM_015560.3); c.1375G>C, p.Ala459Pro (NM_130831.3); c.1429G>C, p.Ala477Pro (NM_130832.3); c.1486G>C, p.Ala496Pro (NM_130833.3); c.1537G>C, p.Ala513Pro (NM_130834.3); c.1540G>C, p.Ala514Pro (NM_130835.3); and 1 more; short protein forms A371P, A372P, A459P, A477P, A495P, A496P, A513P, A514P.
Identifiers: ClinVar variation 4856384 (VCV004856384.1).